The following is an entry in ClinVar:

NM_207361.6(FREM2):c.2533del (p.His845fs)

Gene: FREM2 (FRAS1 related extracellular matrix 2; plus strand). Cytogenetic location: 13q13.3.
Variant type: Deletion.
Coding change: c.2533del on transcript NM_207361.6 (MANE Select); coding-DNA position 2533, one base deleted (C; older notation c.2533delC).
Protein change: p.His845fs; shifts the reading frame from histidine 845.
Molecular consequence: frameshift variant.
Genome position (GRCh38, 1-based): chr13:38,689,877, C deleted; the last of 2 consecutive C bases (chr13:38,689,876-38,689,877); deleting either gives the same sequence. VCF-style (leftmost placement, unchanged base first): chr13-38689875-AC-A. GRCh37 (hg19) VCF-style: chr13-39264012-AC-A.
Other names: short protein forms H845fs.
Identifiers: ClinVar variation 2692628 (VCV002692628.3), dbSNP rs2541355572, ClinGen allele CA2697551831.

ClinVar aggregate classification (germline): Pathogenic (1 of 4 stars; one submission).

Submission:

Labcorp Genetics (formerly Invitae), Labcorp
Classification: Pathogenic. Last evaluated: 2023-11-02. Review status: criteria provided, single submitter. Criteria: Invitae Variant Classification Sherloc (09022015). Collection method: clinical testing. Allele origin: germline.
Comment: This sequence change creates a premature translational stop signal (p.His845Thrfs*3) in the FREM2 gene. It is expected to result in an absent or disrupted protein product. Loss-of-function variants in FREM2 are known to be pathogenic (PMID: 18203166, 26552811). This variant is not present in population databases (gnomAD no frequency). This variant has not been reported in the literature in individuals affected with FREM2-related conditions. Algorithms developed to predict the effect of sequence changes on RNA splicing suggest that this variant may create or strengthen a splice site. For these reasons, this variant has been classified as Pathogenic.

Literature cited by the submitters: PubMed 18203166; PubMed 26552811.